The following is an entry in ClinVar:

NM_006118.4(HAX1):c.317A>C (p.Glu106Ala)

Gene: HAX1 (HCLS1 associated protein X-1; plus strand). Cytogenetic location: 1q21.3.
Variant type: single nucleotide variant.
Coding change: c.317A>C on transcript NM_006118.4 (MANE Select); coding-DNA position 317, A replaced by C.
Protein change: p.Glu106Ala; replaces glutamic acid 106 with alanine.
Molecular consequence: missense variant.
Genome position (GRCh38, 1-based): chr1:154,273,774, A>C. VCF-style: chr1-154273774-A-C. GRCh37 (hg19) VCF-style: chr1-154246250-A-C.
Other names: c.173A>C, p.Glu58Ala (NM_001018837.2); short protein forms E58A, E106A.
Identifiers: ClinVar variation 2160006 (VCV002160006.2), dbSNP rs1216307304, ClinGen allele CA342591913.

ClinVar aggregate classification (germline): Uncertain significance. Review status: criteria provided, multiple submitters, no conflicts (2 of 4 stars). 2 submissions from 2 submitters: Uncertain significance (2). Last evaluated 2024-11-24.

Conditions:
Inborn genetic diseases. Identifiers: MedGen C0950123, MeSH D030342.
Kostmann syndrome (SCN3). Also called: KOSTMANN DISEASE; Autosomal recessive severe congenital neutropenia type 3. Identifiers: Orphanet 99749, MedGen C5235141, MONDO:0012548, OMIM 610738.

Allele frequency attached by ClinVar (database versions not stated): gnomAD 0.00001; gnomAD exomes 0.00001; TOPMed 0.00001.
gnomAD v4.1: 17 of 1,614,048 alleles (0.0011%); highest among the groups gnomAD compares: Non-Finnish European, 0.0014%; no homozygotes.

Submissions (2):

Ambry Genetics
Classification: Uncertain significance for Inborn genetic diseases. Last evaluated: 2024-11-24. Review status: criteria provided, single submitter. Criteria: Ambry Variant Classification Scheme 2023. Collection method: clinical testing. Allele origin: germline.
Comment: The p.E106A variant (also known as c.317A>C) is located in coding exon 3 of the HAX1 gene. The glutamic acid at codon 106 is replaced by alanine, an amino acid with dissimilar properties. This change occurs in the first base pair of coding exon 3. This amino acid position is conserved. In addition, this alteration is predicted to be tolerated by in silico analysis. Based on the available evidence, the clinical significance of this variant remains unclear.

Labcorp Genetics (formerly Invitae), Labcorp
Classification: Uncertain significance for Kostmann syndrome. Last evaluated: 2021-11-29. Review status: criteria provided, single submitter. Criteria: Invitae Variant Classification Sherloc (09022015). Collection method: clinical testing. Allele origin: germline.
Comment: This sequence change replaces glutamic acid, which is acidic and polar, with alanine, which is neutral and non-polar, at codon 106 of the HAX1 protein (p.Glu106Ala). This variant is present in population databases (no rsID available, gnomAD 0.002%). This variant has not been reported in the literature in individuals affected with HAX1-related conditions. Algorithms developed to predict the effect of missense changes on protein structure and function are either unavailable or do not agree on the potential impact of this missense change (SIFT: "Tolerated"; PolyPhen-2: "Possibly Damaging"; Align-GVGD: "Class C0"). In summary, the available evidence is currently insufficient to determine the role of this variant in disease. Therefore, it has been classified as a Variant of Uncertain Significance.